The following is an entry in ClinVar:

NC_000010.10:g.(79779024_79781303)_(79782143_79784306)del

Gene: POLR3A (RNA polymerase III subunit A; minus strand). Cytogenetic location: 10q22.3.
Variant type: Deletion.
Identifiers: ClinVar variation 2691390 (VCV002691390.1).

ClinVar aggregate classification (germline): Pathogenic (1 of 4 stars; one submission).

Conditions:
POLR-related leukodystrophy. Also called: 4H leukodystrophy. Identifiers: Orphanet 289494, MedGen C5679947, MONDO:0100605.

Submission:

Women's Health and Genetics/Laboratory Corporation of America, LabCorp
Classification: Pathogenic for POLR-related leukodystrophy. Last evaluated: 2023-12-22. Review status: criteria provided, single submitter. Criteria: LabCorp Variant Classification Summary - May 2015. Collection method: clinical testing. Allele origin: germline.
Comment: Variant summary: The variant involves the deletion of exons 6-8 in the POLR3A gene. A presumed nomenclature of c.(645+1_646-1)_(1185+1_1186-1)del has been designated for the purposes of this classification. This Copy Number Variant (CNV) is predicted to result in an in-frame deletion within this gene. The variant was absent in 21678 control chromosomes (gnomAD, structural variants dataset). c.(645+1_646-1)_(1185+1_1186-1)del has been reported in the literature in the compound heterozygous state in multiple individuals affected with and/or with clnical features of Pol III-Related Leukodystrophy (e.g. Infante_2020, Perrier_2023). These data indicate that the variant is very likely to be associated with disease. The following publications have been ascertained in the context of this evaluation (PMID: 31637490, 37077564). One submitter has cited a clinical-significance assessment for this variant to ClinVar after 2014 and has classified the variant as pathogenic. Based on the evidence outlined above, the variant was classified as pathogenic.

Literature cited by the submitters: PubMed 31637490; PubMed 37077564.